The following is an entry in ClinVar:

ClinVar aggregate classification (germline): Likely benign (1 of 4 stars; one submission).

Submission:

CeGaT Center for Human Genetics Tuebingen
Classification: Likely benign. Last evaluated: 2026-04-01. Review status: criteria provided, single submitter. Criteria: CeGaT Center For Human Genetics Tuebingen Variant Classification Criteria Version 2. Collection method: clinical testing. Allele origin: germline. Affected: yes. Observed: 1 variant allele.
Comment: MUC4: PM2:Supporting, BP4, BP7

NM_018406.7(MUC4):c.4203A>G (p.Ala1401=)

Gene: MUC4 (mucin 4, cell surface associated). Cytogenetic location: 3q29.
Variant type: single nucleotide variant.
Coding change: c.4203A>G on transcript NM_018406.7 (MANE Select); coding-DNA position 4203, A replaced by G.
Protein change: p.Ala1401=; no amino-acid change (alanine 1401 retained).
Molecular consequence: synonymous variant. On other transcripts: intron variant (2).
Genome position (GRCh38, 1-based): chr3:195,787,377, T>C on the plus strand (A>G on the coding strand, the complement: MUC4 is on the minus strand). VCF-style: chr3-195787377-T-C. GRCh37 (hg19) VCF-style: chr3-195514248-T-C.
Other names: c.83-13072A>G (NM_138297.5); c.83-8922A>G (NM_004532.6).
Identifiers: ClinVar variation 4874671 (VCV004874671.2).